The following is an entry in ClinVar:

NM_001130823.3(DNMT1):c.385C>G (p.Pro129Ala)

Gene: DNMT1 (DNA methyltransferase 1; minus strand). Cytogenetic location: 19p13.2.
Variant type: single nucleotide variant.
Coding change: c.385C>G on transcript NM_001130823.3 (MANE Select); coding-DNA position 385, C replaced by G.
Protein change: p.Pro129Ala; replaces proline 129 with alanine.
Molecular consequence: missense variant.
Genome position (GRCh38, 1-based): chr19:10,180,410, G>C on the plus strand (C>G on the coding strand, the complement: DNMT1 is on the minus strand). VCF-style: chr19-10180410-G-C. GRCh37 (hg19) VCF-style: chr19-10291086-G-C.
Other names: c.385C>G, p.Pro129Ala (NM_001318730.2, NM_001379.4); c.22C>G, p.Pro8Ala (NM_001318731.2); short protein forms P129A, P8A.
Identifiers: ClinVar variation 2107731 (VCV002107731.4), dbSNP rs1085307715, ClinGen allele CA403946216.

ClinVar aggregate classification (germline): Uncertain significance (1 of 4 stars; one submission).

Conditions:
Hereditary sensory neuropathy-deafness-dementia syndrome. Also called: Hereditary Sensory and Autonomic Neuropathy Type 1E (HSAN1E); Hereditary sensory neuropathy type IE; NEUROPATHY, HEREDITARY SENSORY, WITH HEARING LOSS AND DEMENTIA; HSN IE. Identifiers: Orphanet 456318, MedGen C3279885, MONDO:0013584, OMIM 614116.

gnomAD v4.1: 9 of 1,614,032 alleles (0.00056%); highest among the groups gnomAD compares: Non-Finnish European, 0.00076%; no homozygotes.

Submission:

Labcorp Genetics (formerly Invitae), Labcorp
Classification: Uncertain significance for Hereditary sensory neuropathy-deafness-dementia syndrome. Last evaluated: 2022-03-09. Review status: criteria provided, single submitter. Criteria: Invitae Variant Classification Sherloc (09022015). Collection method: clinical testing. Allele origin: germline.
Comment: In summary, the available evidence is currently insufficient to determine the role of this variant in disease. Therefore, it has been classified as a Variant of Uncertain Significance. Algorithms developed to predict the effect of missense changes on protein structure and function (SIFT, PolyPhen-2, Align-GVGD) all suggest that this variant is likely to be tolerated. This variant has not been reported in the literature in individuals affected with DNMT1-related conditions. This variant is present in population databases (no rsID available, gnomAD 0.0009%). This sequence change replaces proline, which is neutral and non-polar, with alanine, which is neutral and non-polar, at codon 129 of the DNMT1 protein (p.Pro129Ala).